The following is an entry in ClinVar:

ClinVar aggregate classification (germline): Pathogenic (1 of 4 stars; one submission).

Conditions:
Fanconi anemia (FA). Also called: Fanconi's anemia. Identifiers: Orphanet 84, MedGen C0015625, MeSH D005199, MONDO:0019391.

Submission:

Labcorp Genetics (formerly Invitae), Labcorp
Classification: Pathogenic for Fanconi anemia. Last evaluated: 2021-11-16. Review status: criteria provided, single submitter. Criteria: Invitae Variant Classification Sherloc (09022015). Collection method: clinical testing. Allele origin: germline.
Comment: For these reasons, this variant has been classified as Pathogenic. This variant has not been reported in the literature in individuals affected with SLX4-related conditions. This variant is not present in population databases (gnomAD no frequency). This sequence change creates a premature translational stop signal (p.Ser1080*) in the SLX4 gene. It is expected to result in an absent or disrupted protein product. Loss-of-function variants in SLX4 are known to be pathogenic (PMID: 21240277).

Literature cited by the submitters: PubMed 21240277.

NM_032444.4(SLX4):c.3239C>G (p.Ser1080Ter)

Gene: SLX4 (SLX4 structure-specific endonuclease subunit; minus strand). Cytogenetic location: 16p13.3.
Variant type: single nucleotide variant.
Coding change: c.3239C>G on transcript NM_032444.4 (MANE Select); coding-DNA position 3239, C replaced by G.
Protein change: p.Ser1080Ter; replaces serine 1080 with a stop codon.
Molecular consequence: nonsense.
Genome position (GRCh38, 1-based): chr16:3,590,399, G>C on the plus strand (C>G on the coding strand, the complement: SLX4 is on the minus strand). VCF-style: chr16-3590399-G-C. GRCh37 (hg19) VCF-style: chr16-3640400-G-C.
Other names: short protein forms S1080*.
Identifiers: ClinVar variation 1451413 (VCV001451413.6), dbSNP rs2151123968, ClinGen allele CA394521310.